The following is an entry in ClinVar:

ClinVar aggregate classification (germline): Likely benign. Review status: criteria provided, single submitter (1 of 4 stars). 2 submissions from 2 submitters: Likely benign (1). 1 of the submissions does not count toward it. Last evaluated 2021-04-13.

Conditions:
DSE-related disorder. Also called: DSE-related condition.

Allele frequency attached by ClinVar (database versions not stated): ExAC 0.00002; gnomAD exomes 0.00002 and 0.00004; gnomAD 0.00003 and 0.00004; TOPMed 0.00003.
gnomAD v4.1: 31 of 1,614,042 alleles (0.0019%); highest among the groups gnomAD compares: African/African-American, 0.011%; no homozygotes.

Submissions (2):

GeneDx
Classification: Likely benign. Last evaluated: 2021-04-13. Review status: criteria provided, single submitter. Criteria: GeneDx Variant Classification Process June 2021. Collection method: clinical testing. Allele origin: germline. Affected: yes.

PreventionGenetics, part of Exact Sciences
Classification: Likely benign for DSE-related condition. Last evaluated: 2024-08-11. Review status: no assertion criteria provided. Collection method: clinical testing. Allele origin: germline. Not counted in ClinVar's aggregate classification.
Comment: This variant is classified as likely benign based on ACMG/AMP sequence variant interpretation guidelines (Richards et al. 2015 PMID: 25741868, with internal and published modifications).

NM_013352.4(DSE):c.2082C>T (p.Tyr694=)

Gene: DSE (dermatan sulfate epimerase; plus strand). Cytogenetic location: 6q22.1.
Variant type: single nucleotide variant.
Coding change: c.2082C>T on transcript NM_013352.4 (MANE Select); coding-DNA position 2082, C replaced by T.
Protein change: p.Tyr694=; no amino-acid change (tyrosine 694 retained).
Molecular consequence: synonymous variant. On other transcripts: 3 prime UTR variant (2), non-coding transcript variant (1).
Genome position (GRCh38, 1-based): chr6:116,436,550, C>T. VCF-style: chr6-116436550-C-T. GRCh37 (hg19) VCF-style: chr6-116757713-C-T.
Other names: c.2082C>T, p.Tyr694= (NM_001080976.3, NM_001322937.2, NM_001322938.2); c.2139C>T, p.Tyr713= (NM_001322939.2); c.1521C>T, p.Tyr507= (NM_001322940.2, NM_001322941.2); c.*947C>T (NM_001322943.2, NM_001322944.2); c.1083C>T, p.Tyr361= (NM_001374520.1); c.1047C>T, p.Tyr349= (NM_001374521.1); c.2082C>T (NM_013352.3).
Identifiers: ClinVar variation 668409 (VCV000668409.4), dbSNP rs776273558, ClinGen allele CA3969758.